The following is an entry in ClinVar:

ClinVar aggregate classification (germline): Uncertain significance. Review status: criteria provided, multiple submitters, no conflicts (2 of 4 stars). 2 submissions from 2 submitters: Uncertain significance (2). Last evaluated 2025-07-27.

Conditions:
Hajdu-Cheney syndrome (HJCYS). Also called: ACROOSTEOLYSIS WITH OSTEOPOROSIS AND CHANGES IN SKULL AND MANDIBLE; SERPENTINE FIBULA-POLYCYSTIC KIDNEY SYNDROME; Acroosteolysis dominant type. Identifiers: Orphanet 955, MedGen C0917715, MONDO:0007057, OMIM 102500.

Allele frequency attached by ClinVar (database versions not stated): gnomAD exomes 0.00001.
gnomAD v4.1: 3 of 1,614,150 alleles (0.00019%); highest among the groups gnomAD compares: South Asian, 0.0011%; no homozygotes.

Submissions (2):

Labcorp Genetics (formerly Invitae), Labcorp
Classification: Uncertain significance for Hajdu-Cheney syndrome. Last evaluated: 2025-07-27. Review status: criteria provided, single submitter. Criteria: Invitae Variant Classification Sherloc (09022015). Collection method: clinical testing. Allele origin: germline.
Comment: This sequence change replaces histidine, which is basic and polar, with tyrosine, which is neutral and polar, at codon 1032 of the NOTCH2 protein (p.His1032Tyr). This variant is not present in population databases (gnomAD no frequency). This variant has not been reported in the literature in individuals affected with NOTCH2-related conditions. ClinVar contains an entry for this variant (Variation ID: 1945776). Invitae Evidence Modeling of protein sequence and biophysical properties (such as structural, functional, and spatial information, amino acid conservation, physicochemical variation, residue mobility, and thermodynamic stability) indicates that this missense variant is not expected to disrupt NOTCH2 protein function with a negative predictive value of 80%. In summary, the available evidence is currently insufficient to determine the role of this variant in disease. Therefore, it has been classified as a Variant of Uncertain Significance.

Women's Health and Genetics/Laboratory Corporation of America, LabCorp
Classification: Uncertain significance. Last evaluated: 2025-07-22. Review status: criteria provided, single submitter. Criteria: LabCorp Variant Classification Summary - May 2015. Collection method: clinical testing. Allele origin: germline.
Comment: Variant summary: NOTCH2 c.3094C>T (p.His1032Tyr) results in a conservative amino acid change in the encoded protein sequence. Algorithms developed to predict the effect of missense changes on protein structure and function are either unavailable or do not agree on the potential impact of this missense change. The variant was absent in 251410 control chromosomes. The available data on variant occurrences in the general population are insufficient to allow any conclusion about variant significance. To our knowledge, no occurrence of c.3094C>T in individuals affected with Hajdu-Cheney Syndrome and no experimental evidence demonstrating its impact on protein function have been reported. ClinVar contains an entry for this variant (Variation ID: 1945776). Based on the evidence outlined above, the variant was classified as uncertain significance.

NM_024408.4(NOTCH2):c.3094C>T (p.His1032Tyr)

Gene: NOTCH2 (notch receptor 2; minus strand). Cytogenetic location: 1p12.
Variant type: single nucleotide variant.
Coding change: c.3094C>T on transcript NM_024408.4 (MANE Select); coding-DNA position 3094, C replaced by T.
Protein change: p.His1032Tyr; replaces histidine 1032 with tyrosine.
Molecular consequence: missense variant.
Genome position (GRCh38, 1-based): chr1:119,940,644, G>A on the plus strand (C>T on the coding strand, the complement: NOTCH2 is on the minus strand). VCF-style: chr1-119940644-G-A. GRCh37 (hg19) VCF-style: chr1-120483267-G-A.
Other names: c.3094C>T, p.His1032Tyr (NM_001200001.2); short protein forms H1032Y.
Identifiers: ClinVar variation 1945776 (VCV001945776.6), dbSNP rs2101103821, ClinGen allele CA341854430.
Genomic context (GRCh38, chr1:119,940,644, plus strand): 5'-GGCAGCTGCAGCGGTAGGTACCCAGGCCATCAACACACGTTCCCTCATTCAGGCATGGAT[G>A]AGAGCTGCATTCATTGATCTCATGGAGGCAGAAGGATCCAGTGAAACCCACAGGGCACAA-3'
Protein context (NP_077719.2, residues 1022-1042): CLHEINECSS[His1032Tyr]PCLNEGTCVD